The following is an entry in ClinVar:

NM_170675.5(MEIS2):c.489G>A (p.Lys163=)

Gene: MEIS2 (Meis homeobox 2; minus strand). Cytogenetic location: 15q14.
Variant type: single nucleotide variant.
Coding change: c.489G>A on transcript NM_170675.5 (MANE Select); coding-DNA position 489, G replaced by A.
Protein change: p.Lys163=; no amino-acid change (lysine 163 retained).
Molecular consequence: synonymous variant. On other transcripts: non-coding transcript variant (1).
Genome position (GRCh38, 1-based): chr15:37,094,527, C>T on the plus strand (G>A on the coding strand, the complement: MEIS2 is on the minus strand). VCF-style: chr15-37094527-C-T. GRCh37 (hg19) VCF-style: chr15-37386728-C-T.
Other names: c.489G>A, p.Lys163= (NM_001220482.2, NM_170674.5, NM_170676.5 and 1 more transcripts); c.450G>A, p.Lys150= (NM_002399.4, NM_172315.3); c.225G>A, p.Lys75= (NM_172316.3).
Identifiers: ClinVar variation 5024266 (VCV005024266.1).
Genomic context (GRCh38, chr15:37,094,527, plus strand): 5'-CAACTCAACTAGGAGAGGGAAATGGTTTAATCAACACGGGGAGCGTTATTTCCTGCTTAC[C>T]TTTTCTAACTCCAAAAGATGAAACCTTAGTACTTGTATTGCTTGTATCATCTGAAAGAAA-3'
Protein context (NP_733775.1, residues 153-173): VLRFHLLELE[Lys163=]VHELCDNFCH

ClinVar aggregate classification (germline): Uncertain significance (1 of 4 stars; one submission).

Conditions:
Inborn genetic diseases. Identifiers: MedGen C0950123, MeSH D030342.

Submission:

Ambry Genetics
Classification: Uncertain significance for Inborn genetic diseases. Last evaluated: 2026-08-07. Review status: criteria provided, single submitter. Criteria: Ambry Variant Classification Scheme 2023. Collection method: clinical testing. Allele origin: germline.
Comment: The c.489G>A (p.K163K) alteration is located in exon 5 (coding exon 5) of the MEIS2 gene. This alteration consists of a G to A substitution at nucleotide position 489. This nucleotide substitution does not change the amino acid at codon 163. However, this change occurs in the last base pair of Exon 5 (coding exon 5) which makes it likely to have some effect on normal mRNA splicing. This variant was not reported in population-based cohorts in the Genome Aggregation Database (gnomAD). This nucleotide position is highly conserved in available vertebrate species. In silico splice site analysis predicts that this alteration may weaken the native splice donor site. Based on insufficient or conflicting evidence, the clinical significance of this alteration remains unclear.